The following is an entry in ClinVar:

ClinVar aggregate classification (germline): Benign. Review status: criteria provided, multiple submitters, no conflicts (2 of 4 stars). 2 submissions from 2 submitters: Benign (2). Last evaluated 2018-06-16.

Allele frequency attached by ClinVar (database versions not stated): 1000 Genomes Project 30x 0.80512; 1000 Genomes Project 0.81130; TOPMed 0.83191; gnomAD 0.84475 and 0.84756; ESP Exome Variant Server 0.84894; gnomAD exomes 0.89144 and 0.92020; ExAC 0.89458.
gnomAD v4.1: 1,226,339 of 1,345,820 alleles (91%); highest among the groups gnomAD compares: Non-Finnish European, 93%; 561,872 homozygotes.

Submissions (2):

GeneDx
Classification: Benign. Last evaluated: 2018-06-16. Review status: criteria provided, single submitter. Criteria: GeneDx Variant Classification (06012015). Collection method: clinical testing. Allele origin: germline. Affected: yes.
Comment: This variant is considered likely benign or benign based on one or more of the following criteria: it is a conservative change, it occurs at a poorly conserved position in the protein, it is predicted to be benign by multiple in silico algorithms, and/or has population frequency not consistent with disease.

Breakthrough Genomics
Classification: Benign. Review status: criteria provided, single submitter. Criteria: ACMG Guidelines, 2015. Collection method: not provided. Allele origin: germline. Inheritance: Autosomal dominant inheritance. Affected: yes.

NM_016204.4(GDF2):c.347-49T>C

Gene: GDF2 (growth differentiation factor 2; plus strand). Cytogenetic location: 10q11.22.
Variant type: single nucleotide variant.
Coding change: c.347-49T>C on transcript NM_016204.4 (MANE Select); 49 bases into the intron before coding-DNA position 347, T replaced by C.
Molecular consequence: intron variant.
Genome position (GRCh38, 1-based): chr10:47,324,792, T>C. VCF-style: chr10-47324792-T-C. GRCh37 (hg19) VCF-style: chr10-48414570-A-G.
Identifiers: ClinVar variation 674697 (VCV000674697.2), dbSNP rs7923671, ClinGen allele CA5488134.
Genomic context (GRCh38, chr10:47,324,792, plus strand): 5'-ACCAAAATTGTTATCCCAGATGCTCTTCTGTCTAAACCCTGAGACTCAGCTTCAGTGTCA[T>C]GGAAACAGACCCTCCAGCAGATGCCCACCACGTGTGTTTGCATTTCAGATGCCATCTCCA-3'